The following is an entry in ClinVar:

ClinVar aggregate classification (germline): Pathogenic. Review status: criteria provided, multiple submitters, no conflicts (2 of 4 stars). 2 submissions from 2 submitters: Pathogenic (2). Last evaluated 2024-09-04.

Conditions:
CHST6-related disorder. Also called: CHST6-related condition.
Macular corneal dystrophy (MCD). Also called: Macular corneal dystrophy Type I; GROENOUW TYPE II CORNEAL DYSTROPHY. Identifiers: Orphanet 98969, MedGen C1636149, MONDO:0009020, OMIM 217800.

gnomAD v4.1: 8 of 1,611,662 alleles (0.0005%); highest among the groups gnomAD compares: East Asian, 0.0067%; no homozygotes.

Submissions (2):

Women's Health and Genetics/Laboratory Corporation of America, LabCorp
Classification: Pathogenic for Macular corneal dystrophy. Last evaluated: 2024-09-04. Review status: criteria provided, single submitter. Criteria: LabCorp Variant Classification Summary - May 2015. Collection method: clinical testing. Allele origin: germline.
Comment: Variant summary: CHST6 c.820G>A (p.Glu274Lys) results in a conservative amino acid change located in the Sulfotransferase domain (IPR000863) of the encoded protein sequence. Four of five in-silico tools predict a damaging effect of the variant on protein function. The variant allele was found at a frequency of 4.1e-06 in 246124 control chromosomes. c.820G>A has been reported in the literature in multiple homozygous or compound heterozygous individuals affected with Macular Corneal Dystrophy (e.g. Akama_2000, Park_2015, Warren_2003, El-Ashry_2010). These data indicate that the variant is very likely to be associated with disease. At least one publication reports experimental evidence evaluating an impact on protein function, showing a reduction in sulfotransferase activity (Akama_2001). The following publications have been ascertained in the context of this evaluation (PMID: 11278593, 11017086, 26748743, 19734134, 26604660, 18815430, 14609920). No submitters have cited clinical-significance assessments for this variant to ClinVar. Based on the evidence outlined above, the variant was classified as pathogenic.

Blueprint Genetics
Classification: Pathogenic for CHST6-related disorders. Last evaluated: 2024-03-26. Review status: criteria provided, single submitter. Criteria: ACMG Guidelines, 2015. Collection method: clinical testing. Allele origin: germline. Affected: yes. Observed: 2 variant alleles.

Literature cited by the submitters: PubMed 14609920 (cited by Women's Health and Genetics/Laboratory Corporation of America, LabCorp); PubMed 11278593 (cited by Women's Health and Genetics/Laboratory Corporation of America, LabCorp); PubMed 11017086 (cited by Women's Health and Genetics/Laboratory Corporation of America, LabCorp); PubMed 26748743 (cited by Women's Health and Genetics/Laboratory Corporation of America, LabCorp); PubMed 19734134 (cited by Women's Health and Genetics/Laboratory Corporation of America, LabCorp); PubMed 26604660 (cited by Women's Health and Genetics/Laboratory Corporation of America, LabCorp); PubMed 18815430 (cited by Women's Health and Genetics/Laboratory Corporation of America, LabCorp).

NM_021615.5(CHST6):c.820G>A (p.Glu274Lys)

Gene: CHST6 (carbohydrate sulfotransferase 6; minus strand). Cytogenetic location: 16q23.1.
Variant type: single nucleotide variant.
Coding change: c.820G>A on transcript NM_021615.5 (MANE Select); coding-DNA position 820, G replaced by A.
Protein change: p.Glu274Lys; replaces glutamic acid 274 with lysine.
Molecular consequence: missense variant.
Genome position (GRCh38, 1-based): chr16:75,479,009, C>T on the plus strand (G>A on the coding strand, the complement: CHST6 is on the minus strand). VCF-style: chr16-75479009-C-T. GRCh37 (hg19) VCF-style: chr16-75512907-C-T.
Other names: short protein forms E274K.
Identifiers: ClinVar variation 3375062 (VCV003375062.2).
Genomic context (GRCh38, chr16:75,479,009, plus strand): 5'-TGAGCCCAGTGAAGGCGTAGAGCGCACGGATTTCTGCCAGCGGCTCCCGCGCCAGGTCCT[C>T]GAAGCGCACCAGGCGGTAGCGGCCGCGCAGAAAGGGTGGCGGCTTGAGTGTGGCGGCCTC-3'
Protein context (NP_067628.1, residues 264-284): LRGRYRLVRF[Glu274Lys]DLAREPLAEI